The following is an entry in ClinVar:

ClinVar aggregate classification (germline): Uncertain significance (1 of 4 stars; one submission).

Conditions:
Inborn genetic diseases. Identifiers: MedGen C0950123, MeSH D030342.

Submission:

Ambry Genetics
Classification: Uncertain significance for Inborn genetic diseases. Last evaluated: 2022-11-06. Review status: criteria provided, single submitter. Criteria: Ambry Variant Classification Scheme 2023. Collection method: clinical testing. Allele origin: germline.
Comment: The p.G330V variant (also known as c.989G>T), located in coding exon 9 of the MDH2 gene, results from a G to T substitution at nucleotide position 989. The glycine at codon 330 is replaced by valine, an amino acid with dissimilar properties. This amino acid position is conserved. In addition, this alteration is predicted to be deleterious by in silico analysis. Since supporting evidence is limited at this time, the clinical significance of this alteration remains unclear.

NM_005918.4(MDH2):c.989G>T (p.Gly330Val)

Gene: MDH2 (malate dehydrogenase 2; plus strand). Cytogenetic location: 7q11.23.
Variant type: single nucleotide variant.
Coding change: c.989G>T on transcript NM_005918.4 (MANE Select); coding-DNA position 989, G replaced by T.
Protein change: p.Gly330Val; replaces glycine 330 with valine.
Molecular consequence: missense variant.
Genome position (GRCh38, 1-based): chr7:76,066,382, G>T. VCF-style: chr7-76066382-G-T. GRCh37 (hg19) VCF-style: chr7-75695700-G-T.
Other names: c.863G>T, p.Gly288Val (NM_001282403.2); c.668G>T, p.Gly223Val (NM_001282404.2); short protein forms G223V, G288V, G330V.
Identifiers: ClinVar variation 2447830 (VCV002447830.2), dbSNP rs2535875867, ClinGen allele CA367770178.
Genomic context (GRCh38, chr7:76,066,382, plus strand): 5'-CTTTTGAGGAGAAGATGATCTCGGATGCCATCCCCGAGCTGAAGGCCTCCATCAAGAAGG[G>T]GGAAGATTTCGTGAAGACCCTGAAGTGAGCCGCTGTGACGGGTGGCCAGTTTCCTTAATT-3'
Protein context (NP_005909.2, residues 320-338): IPELKASIKK[Gly330Val]EDFVKTLK